The following is an entry in ClinVar:

NM_001126108.2(SLC12A3):c.1670-8_1670-7inv

Gene: SLC12A3 (solute carrier family 12 member 3; plus strand). Cytogenetic location: 16q13.
Variant type: Inversion.
Coding change: c.1670-8_1670-7inv on transcript NM_001126108.2 (MANE Select).
Molecular consequence: intron variant.
Genome position: GRCh38 VCF-style: chr16-56884041-TG-CA. GRCh37 (hg19) VCF-style: chr16-56917953-TG-CA.
Other names: c.1670-8_1670-7delinsCA (NM_000339.3); c.1670-8_1670-7inv (NM_000339.3); c.1667-8_1667-7inv (NM_001126107.2, NM_001410896.1).
Identifiers: ClinVar variation 3581019 (VCV003581019.2).
Genomic context (GRCh38, chr16:56,884,041, plus strand): 5'-CCAGCAGCTCTGGCCTAGAAAGAGGCTCGACTGCCAGGCATGCCCACTGACTGGTGCCCT[TG>CA]GCCCAGGGTGGAGACCTTCATTCCAATACTACAACAAGTGGGCGGCGCTGTTTGGGGCTA-3'

ClinVar aggregate classification (germline): Conflicting classifications of pathogenicity. Review status: criteria provided, conflicting classifications (1 of 4 stars). 2 submissions from 2 submitters: Likely pathogenic (1); Uncertain significance (1). Last evaluated 2026-08-06.

Conditions:
Renal tubulopathies.
Familial hypokalemia-hypomagnesemia (GTLMNS). Also called: HYPOMAGNESEMIA-HYPOKALEMIA, PRIMARY RENOTUBULAR, WITH HYPOCALCIURIA; POTASSIUM AND MAGNESIUM DEPLETION; gitelman syndrome. Identifiers: Orphanet 358, MedGen C0268450, MONDO:0009904, OMIM 263800.

Submissions (2):

Genetics Laboratory, Great Ormond Street Hospital NHS Foundation Trust, North Thames Genomic Laboratory Hub
Classification: Uncertain significance for Renal tubulopathies. Last evaluated: 2026-08-06. Review status: criteria provided, single submitter. Criteria: ACGS Best Practice Guidelines for Variant Classification in Rare Disease 2024 v1.2. Collection method: clinical testing. Allele origin: germline. Affected: yes.
Comment: PM2_moderate, PP3_supporting, PP4_supporting

Fulgent Genetics
Classification: Likely pathogenic for Familial hypokalemia-hypomagnesemia. Last evaluated: 2024-02-22. Review status: criteria provided, single submitter. Criteria: ACMG Guidelines, 2015. Collection method: clinical testing. Allele origin: germline.